The following is an entry in ClinVar:

NM_000088.4(COL1A1):c.3817G>T (p.Glu1273Ter)

Gene: COL1A1 (collagen type I alpha 1 chain; minus strand). Cytogenetic location: 17q21.33.
Variant type: single nucleotide variant.
Coding change: c.3817G>T on transcript NM_000088.4 (MANE Select); coding-DNA position 3817, G replaced by T.
Protein change: p.Glu1273Ter; replaces glutamic acid 1273 with a stop codon.
Molecular consequence: nonsense.
Genome position (GRCh38, 1-based): chr17:50,186,505, C>A on the plus strand (G>T on the coding strand, the complement: COL1A1 is on the minus strand). VCF-style: chr17-50186505-C-A. GRCh37 (hg19) VCF-style: chr17-48263866-C-A.
Other names: short protein forms E1273*.
Identifiers: ClinVar variation 937217 (VCV000937217.11), dbSNP rs1203106659, ClinGen allele CA400194027.

ClinVar aggregate classification (germline): Pathogenic/Likely pathogenic. Review status: criteria provided, multiple submitters, no conflicts (2 of 4 stars). 4 submissions from 4 submitters: Pathogenic (3); Likely pathogenic (1). Last evaluated 2025-02-04.

Conditions:
Osteogenesis imperfecta with normal sclerae, dominant form (OI4). Also called: Osteogenesis Imperfecta Type IV; Osteogenesis imperfecta type 4; OSTEOGENESIS IMPERFECTA, TYPE IV, WITH DENTINOGENESIS IMPERFECTA; OSTEOGENESIS IMPERFECTA WITH NORMAL SCLERAE; Common Variable Osteogenesis Imperfecta with Normal Sclerae. Identifiers: Orphanet 216820, Orphanet 666, MedGen C0268363, MONDO:0008148, OMIM 166220.
Osteogenesis imperfecta type I (OI1). Also called: Lobstein disease; Osteogenesis imperfecta type 1; OI, TYPE I; OSTEOGENESIS IMPERFECTA TARDA; OSTEOGENESIS IMPERFECTA WITH BLUE SCLERAE; Lobstein's Disease. Identifiers: Orphanet 216796, Orphanet 666, MedGen C0023931, MONDO:0008146, OMIM 166200. Disease mechanism: loss of function.

Submissions (4):

ARUP Laboratories, Molecular Genetics and Genomics, ARUP Laboratories
Classification: Likely pathogenic. Last evaluated: 2025-02-04. Review status: criteria provided, single submitter. Criteria: ARUP Molecular Germline Variant Investigation Process 2024. Collection method: clinical testing. Allele origin: germline.
Comment: The COL1A1 c.3817G>T; p.Glu1273Ter variant (rs1203106659), to our knowledge, is not reported in the medical literature but is reported in ClinVar (Variation ID: 937217). This variant is absent from the Genome Aggregation Database (v2.1.1), indicating it is not a common polymorphism. This variant induces an early termination codon and is predicted to result in a truncated protein or mRNA subject to nonsense-mediated decay. Based on available information, this variant is considered to be likely pathogenic.

Genomic Medicine Center of Excellence, King Faisal Specialist Hospital and Research Centre
Classification: Pathogenic for Osteogenesis imperfecta type I. Last evaluated: 2024-04-04. Review status: criteria provided, single submitter. Criteria: ACMG Guidelines, 2015. Collection method: clinical testing. Allele origin: germline.

Labcorp Genetics (formerly Invitae), Labcorp
Classification: Pathogenic for Osteogenesis imperfecta type I. Last evaluated: 2022-10-21. Review status: criteria provided, single submitter. Criteria: Invitae Variant Classification Sherloc (09022015). Collection method: clinical testing. Allele origin: germline.
Comment: For these reasons, this variant has been classified as Pathogenic. ClinVar contains an entry for this variant (Variation ID: 937217). This variant has not been reported in the literature in individuals affected with COL1A1-related conditions. This variant is not present in population databases (gnomAD no frequency). This sequence change creates a premature translational stop signal (p.Glu1273*) in the COL1A1 gene. It is expected to result in an absent or disrupted protein product. Loss-of-function variants in COL1A1 are known to be pathogenic (PMID: 7942841, 9295084, 9443882).

Baylor Genetics
Classification: Pathogenic for Osteogenesis imperfecta with normal sclerae, dominant form. Last evaluated: 2019-11-27. Review status: criteria provided, single submitter. Criteria: ACMG Guidelines, 2015. Collection method: clinical testing. Allele origin: unknown. Affected: yes.
Comment: This variant was determined to be pathogenic according to ACMG Guidelines, 2015 [PMID:25741868].

Literature cited by the submitters: PubMed 7942841 (cited by Labcorp Genetics (formerly Invitae), Labcorp); PubMed 9295084 (cited by Labcorp Genetics (formerly Invitae), Labcorp); PubMed 9443882 (cited by Labcorp Genetics (formerly Invitae), Labcorp).